The following is an entry in ClinVar:

NM_000057.4(BLM):c.2951G>C (p.Gly984Ala)

Gene: BLM (BLM RecQ like helicase; plus strand). Cytogenetic location: 15q26.1.
Variant type: single nucleotide variant.
Coding change: c.2951G>C on transcript NM_000057.4 (MANE Select); coding-DNA position 2951, G replaced by C.
Protein change: p.Gly984Ala; replaces glycine 984 with alanine.
Molecular consequence: missense variant.
Genome position (GRCh38, 1-based): chr15:90,790,776, G>C. VCF-style: chr15-90790776-G-C. GRCh37 (hg19) VCF-style: chr15-91334006-G-C.
Other names: c.2951G>C, p.Gly984Ala (NM_001287246.2, NM_001287247.2); c.1826G>C, p.Gly609Ala (NM_001287248.2); short protein forms G609A, G984A.
Identifiers: ClinVar variation 3991645 (VCV003991645.1).

ClinVar aggregate classification (germline): Uncertain significance (1 of 4 stars; one submission).

Conditions:
Hereditary cancer-predisposing syndrome. Also called: Tumor predisposition; Hereditary neoplastic syndrome; Neoplastic Syndromes, Hereditary; Hereditary Cancer Syndrome. Identifiers: Orphanet 140162, MedGen C0027672, MeSH D009386, MONDO:0015356.

Submission:

Ambry Genetics
Classification: Uncertain significance for Hereditary cancer-predisposing syndrome. Last evaluated: 2025-04-16. Review status: criteria provided, single submitter. Criteria: Ambry Variant Classification Scheme 2023. Collection method: clinical testing. Allele origin: germline.
Comment: The p.G984A variant (also known as c.2951G>C), located in coding exon 14 of the BLM gene, results from a G to C substitution at nucleotide position 2951. The glycine at codon 984 is replaced by alanine, an amino acid with similar properties. This amino acid position is conserved. In addition, this alteration is predicted to be deleterious by in silico analysis. Based on the available evidence, the clinical significance of this variant remains unclear.